The following is an entry in ClinVar:

ClinVar aggregate classification (germline): Uncertain significance (1 of 4 stars; one submission).

Allele frequency attached by ClinVar (database versions not stated): TOPMed 0.00001.

Submission:

Labcorp Genetics (formerly Invitae), Labcorp
Classification: Uncertain significance. Last evaluated: 2023-07-07. Review status: criteria provided, single submitter. Criteria: Invitae Variant Classification Sherloc (09022015). Collection method: clinical testing. Allele origin: germline.
Comment: This sequence change replaces serine, which is neutral and polar, with phenylalanine, which is neutral and non-polar, at codon 46 of the TMPRSS15 protein (p.Ser46Phe). This variant is not present in population databases (gnomAD no frequency). This variant has not been reported in the literature in individuals affected with TMPRSS15-related conditions. ClinVar contains an entry for this variant (Variation ID: 1974248). An algorithm developed to predict the effect of missense changes on protein structure and function (PolyPhen-2) suggests that this variant is likely to be disruptive. In summary, the available evidence is currently insufficient to determine the role of this variant in disease. Therefore, it has been classified as a Variant of Uncertain Significance.

NM_002772.3(TMPRSS15):c.137C>T (p.Ser46Phe)

Gene: TMPRSS15 (transmembrane serine protease 15; minus strand). Cytogenetic location: 21q21.1.
Variant type: single nucleotide variant.
Coding change: c.137C>T on transcript NM_002772.3 (MANE Select); coding-DNA position 137, C replaced by T.
Protein change: p.Ser46Phe; replaces serine 46 with phenylalanine.
Molecular consequence: missense variant.
Genome position (GRCh38, 1-based): chr21:18,403,486, G>A on the plus strand (C>T on the coding strand, the complement: TMPRSS15 is on the minus strand). VCF-style: chr21-18403486-G-A. GRCh37 (hg19) VCF-style: chr21-19775803-G-A.
Other names: short protein forms S46F.
Identifiers: ClinVar variation 1974248 (VCV001974248.5), dbSNP rs2076115776, ClinGen allele CA409853720.
Genomic context (GRCh38, chr21:18,403,486, plus strand): 5'-GTGTGTACATTCAGCTGAGAGCACCTTCACGAGCCAACTCCATGTGACTTACCTCGTTGG[G>A]ATTCCTTGATTGTCAGGCAGGATACTGCAATTAATCCAGCACAGAGCACTACCAATATGG-3'
Protein context (NP_002763.3, residues 36-56): IAVSCLTIKE[Ser46Phe]QRGAALGQSH